The following is an entry in ClinVar:

NM_000051.4(ATM):c.7032del (p.Trp2344fs)

Genes: ATM (ATM serine/threonine kinase; plus strand), C11orf65 (chromosome 11 open reading frame 65; minus strand). Cytogenetic location: 11q22.3.
Variant type: Deletion.
Coding change: c.7032del on transcript NM_000051.4 (MANE Select); coding-DNA position 7032, one base deleted (G; older notation c.7032delG).
Protein change: p.Trp2344fs; shifts the reading frame from tryptophan 2344.
Molecular consequence: frameshift variant. On other transcripts: intron variant (2).
Genome position (GRCh38, 1-based): chr11:108,327,701, G deleted; the last of 2 consecutive G bases (chr11:108,327,700-108,327,701); deleting either gives the same sequence. VCF-style (leftmost placement, unchanged base first): chr11-108327699-TG-T. GRCh37 (hg19) VCF-style: chr11-108198426-TG-T.
Other names: c.7032delG (NM_000051.4); c.7032del, p.Trp2344fs (NM_001351834.2); c.641-18629del (NM_001330368.2); c.*38+7520del (NM_001351110.2); short protein forms W2344fs.
Identifiers: ClinVar variation 3629847 (VCV003629847.1).

ClinVar aggregate classification (germline): Pathogenic (1 of 4 stars; one submission).

Conditions:
Ataxia-telangiectasia syndrome (AT). Also called: LOUIS-BAR SYNDROME; Cerebello-oculocutaneous telangiectasia; Immunodeficiency with ataxia telangiectasia; ATAXIA-TELANGIECTASIA, COMPLEMENTATION GROUP A; ATAXIA-TELANGIECTASIA, FRESNO VARIANT; Ataxia-telangiectasia. Identifiers: Orphanet 100, MedGen C0004135, MONDO:0008840, OMIM 208900.

Submission:

Women's Health and Genetics/Laboratory Corporation of America, LabCorp
Classification: Pathogenic for Ataxia-telangiectasia syndrome. Last evaluated: 2024-11-04. Review status: criteria provided, single submitter. Criteria: LabCorp Variant Classification Summary - May 2015. Collection method: clinical testing. Allele origin: germline.
Comment: Variant summary: ATM c.7032delG (p.Trp2344CysfsX2) results in a premature termination codon, predicted to cause a truncation of the encoded protein or absence of the protein due to nonsense mediated decay, which are commonly known mechanisms for disease. The variant was absent in 251096 control chromosomes. To our knowledge, no occurrence of c.7032delG in individuals affected with Ataxia-Telangiectasia and no experimental evidence demonstrating its impact on protein function have been reported. No submitters have cited clinical-significance assessments for this variant to ClinVar. Based on the evidence outlined above, the variant was classified as pathogenic.